The following is an entry in ClinVar:

NM_002693.3(POLG):c.2027C>T (p.Ala676Val)

Gene: POLG (DNA polymerase gamma, catalytic subunit; minus strand). Cytogenetic location: 15q26.1.
Variant type: single nucleotide variant.
Coding change: c.2027C>T on transcript NM_002693.3 (MANE Select); coding-DNA position 2027, C replaced by T.
Protein change: p.Ala676Val; replaces alanine 676 with valine.
Molecular consequence: missense variant.
Genome position (GRCh38, 1-based): chr15:89,324,150, G>A on the plus strand (C>T on the coding strand, the complement: POLG is on the minus strand). VCF-style: chr15-89324150-G-A. GRCh37 (hg19) VCF-style: chr15-89867381-G-A.
Other names: c.2027C>T, p.Ala676Val (NM_001126131.2); short protein forms A676V.
Identifiers: ClinVar variation 451086 (VCV000451086.24), dbSNP rs376306906, ClinGen allele CA7724615.

ClinVar aggregate classification (germline): Conflicting classifications of pathogenicity. Review status: criteria provided, conflicting classifications (1 of 4 stars). 11 submissions from 11 submitters: Uncertain significance (10); Likely benign (1). Last evaluated 2026-09-08.

Conditions:
POLG-related disorder. Also called: POLG-related condition; POLG-Related Disorders; POLG-Related Spectrum Disorders. Identifiers: MedGen C4763519.
Inborn genetic diseases. Identifiers: MedGen C0950123, MeSH D030342.
Sensory ataxic neuropathy, dysarthria, and ophthalmoparesis (SANDO). Also called: Epilepsy, progressive myoclonic, type 5; SENSORY ATAXIC NEUROPATHY WITH MITOCHONDRIAL DNA DELETIONS, AUTOSOMAL RECESSIVE; Sensory ataxic neuropathy-dysarthria-ophthalmoparesis syndrome; Ataxia Neuropathy Spectrum (ANS). Identifiers: Orphanet 70595, MedGen C1843851, MONDO:0011835, OMIM 607459.
Mitochondrial DNA depletion syndrome 4b. Also called: Mitochondrial Neurogastrointestinal Encephalopathy Disease, POLG-Related; MNGIE, POLG-RELATED. Identifiers: Orphanet 298, MedGen C3150914, MONDO:0013350, OMIM 613662.
Progressive external ophthalmoplegia with mitochondrial DNA deletions, autosomal dominant 1 (PEOA1). Also called: PROGRESSIVE EXTERNAL OPHTHALMOPLEGIA, AUTOSOMAL DOMINANT 1; Autosomal Dominant Progressive External Ophthalmoplegia (adPEO). Identifiers: MedGen C1834846, MONDO:0024528, OMIM 157640.
Progressive external ophthalmoplegia with mitochondrial DNA deletions, autosomal recessive 1 (PEOB1). Also called: Autosomal Recessive Progressive External Ophthalmoplegia (arPEO); Progressive external ophthalmoplegia, autosomal recessive 1. Identifiers: Orphanet 254886, MedGen C4225153, MONDO:0009783, OMIM 258450.
Mitochondrial DNA depletion syndrome 1. Also called: Mitochondrial neurogastrointestinal encephalomyopathy syndrome; POLIP SYNDROME; POLYNEUROPATHY, OPHTHALMOPLEGIA, LEUKOENCEPHALOPATHY, AND INTESTINAL PSEUDOOBSTRUCTION; Mitochondrial Neurogastrointestinal Encephalopathy Disease; MITOCHONDRIAL NEUROGASTROINTESTINAL ENCEPHALOPATHY SYNDROME, TYMP-RELATED; MNGIE, TYMP-RELATED. Identifiers: Orphanet 298, MedGen C4551995, MONDO:0011283, OMIM 603041.
Progressive sclerosing poliodystrophy (MTDPS4A). Also called: Alpers-Huttenlocher Syndrome (AHS); ALPERS PROGRESSIVE INFANTILE POLIODYSTROPHY; NEURONAL DEGENERATION OF CHILDHOOD WITH LIVER DISEASE, PROGRESSIVE; ALPERS DIFFUSE DEGENERATION OF CEREBRAL GRAY MATTER WITH HEPATIC CIRRHOSIS; Alpers-Huttenlocher Syndrome; Alpers Syndrome. Identifiers: Orphanet 726, MedGen C0205710, MONDO:0008758, OMIM 203700.
Limb-girdle muscular dystrophy (LGMD). Also called: Muscular Dystrophies, Limb-Girdle. Identifiers: Orphanet 263, MedGen C0686353, MeSH D049288, MONDO:0016971, HP:0006785.

Allele frequency attached by ClinVar (database versions not stated): gnomAD 0.00003; TOPMed 0.00005; gnomAD exomes 0.00007 and 0.00009; ESP Exome Variant Server 0.00008; ExAC 0.00012.
gnomAD v4.1: 105 of 1,613,768 alleles (0.0065%); highest among the groups gnomAD compares: Admixed American, 0.032%; no homozygotes.

Submissions (11):

PreventionGenetics, part of Exact Sciences
Classification: Uncertain significance for POLG-related condition. Last evaluated: 2026-09-08. Review status: criteria provided, single submitter. Criteria: ACMG Guidelines, 2015. Collection method: clinical testing. Allele origin: germline.
Comment: The POLG c.2027C>T variant is predicted to result in the amino acid substitution p.Ala676Val. This variant has been reported in the heterozygous state in two individuals with clinical presentations suggestive of POLG deficiency (Supplementary Table 2, Tang et al. 2011. PubMed ID: 21880868). This variant is reported in 0.048% of alleles in individuals of Latino descent in gnomAD. At this time, the clinical significance of this variant is uncertain due to the absence of conclusive functional and genetic evidence.

Women's Health and Genetics/Laboratory Corporation of America, LabCorp
Classification: Uncertain significance. Last evaluated: 2025-11-11. Review status: criteria provided, single submitter. Criteria: LabCorp Variant Classification Summary - May 2015. Collection method: clinical testing. Allele origin: germline.
Comment: Variant summary: POLG c.2027C>T (p.Ala676Val) results in a non-conservative amino acid change in the encoded protein sequence. Algorithms developed to predict the effect of missense changes on protein structure and function are either unavailable or do not agree on the potential impact of this missense change. The variant allele was found at a frequency of 8.8e-05 in 251098 control chromosomes (gnomAD). This frequency is not significantly higher than estimated for disease-causing variants in POLG, allowing no conclusion about variant significance. c.2027C>T has been observed in at least one individual affected with POLG-Related Spectrum Disorders (Tang_2011). The report does not provide unequivocal conclusions about association of the variant with POLG-Related Spectrum Disorders. To our knowledge, no experimental evidence demonstrating an impact on protein function has been reported. The following publication have been ascertained in the context of this evaluation (PMID: 21880868). ClinVar contains an entry for this variant (Variation ID: 451086). Based on the evidence outlined above, the variant was classified as uncertain significance.

Labcorp Genetics (formerly Invitae), Labcorp
Classification: Uncertain significance for Progressive sclerosing poliodystrophy. Last evaluated: 2024-12-10. Review status: criteria provided, single submitter. Criteria: Invitae Variant Classification Sherloc (09022015). Collection method: clinical testing. Allele origin: germline.
Comment: This sequence change replaces alanine, which is neutral and non-polar, with valine, which is neutral and non-polar, at codon 676 of the POLG protein (p.Ala676Val). This variant is present in population databases (rs376306906, gnomAD 0.05%). This missense change has been observed in individual(s) with develomental delay, hypotonia, encephalopathy, ataxia, seizure, myoclonus, pyramidal signs, intractable seizure, spasticity (PMID: 21880868). ClinVar contains an entry for this variant (Variation ID: 451086). Invitae Evidence Modeling of protein sequence and biophysical properties (such as structural, functional, and spatial information, amino acid conservation, physicochemical variation, residue mobility, and thermodynamic stability) indicates that this missense variant is not expected to disrupt POLG protein function with a negative predictive value of 95%. In summary, the available evidence is currently insufficient to determine the role of this variant in disease. Therefore, it has been classified as a Variant of Uncertain Significance.

Blueprint Genetics
Classification: Uncertain significance. Last evaluated: 2024-09-20. Review status: criteria provided, single submitter. Criteria: ACMG Guidelines, 2015. Collection method: clinical testing. Allele origin: germline.

GeneDx
Classification: Uncertain significance. Last evaluated: 2024-07-22. Review status: criteria provided, single submitter. Criteria: GeneDx Variant Classification Process June 2021. Collection method: clinical testing. Allele origin: germline. Affected: yes.
Comment: Observed in heterozygous state in two individuals with features suggestive POLG deficiency (PMID: 21880868); In silico analysis indicates that this missense variant does not alter protein structure/function; This variant is associated with the following publications: (PMID: Betler2024[Review], 21880868)

Athena Diagnostics
Classification: Uncertain significance. Last evaluated: 2023-05-02. Review status: criteria provided, single submitter. Criteria: Athena Diagnostics Criteria. Collection method: clinical testing. Allele origin: unknown.
Comment: Available data are insufficient to determine the clinical significance of the variant at this time. The frequency of this variant in the general population is uninformative in assessment of its pathogenicity. Computational tools predict that this variant is not damaging.

Cambridge Genomics Laboratory, East Genomic Laboratory Hub, NHS Genomic Medicine Service
Classification: Uncertain significance for Limb-girdle muscular dystrophy. Last evaluated: 2019-04-17. Review status: criteria provided, single submitter. Criteria: ACGS Best Practice Guidelines for Variant Classification in Rare Disease 2020. Collection method: clinical testing. Allele origin: germline. Affected: yes. Observed: 1 variant allele.

Fulgent Genetics
Classification: Uncertain significance for Progressive external ophthalmoplegia with mitochondrial DNA deletions, autosomal dominant 1; Progressive sclerosing poliodystrophy; Progressive external ophthalmoplegia with mitochondrial DNA deletions, autosomal recessive 1; Mitochondrial DNA depletion syndrome 1; Sensory ataxic neuropathy, dysarthria, and ophthalmoparesis; Mitochondrial DNA depletion syndrome 4b. Last evaluated: 2018-10-31. Review status: criteria provided, single submitter. Criteria: ACMG Guidelines, 2015. Collection method: clinical testing. Allele origin: unknown.

Wong Mito Lab, Molecular and Human Genetics, Baylor College of Medicine
Classification: Likely benign for Progressive sclerosing poliodystrophy. Last evaluated: 2018-10-01. Review status: criteria provided, single submitter. Criteria: ACMG Guidelines, 2015. Collection method: clinical testing. Allele origin: germline.
Comment: The NM_002693.2:c.2027C>T (NP_002684.1:p.Ala676Val) [GRCH38: NC_000015.10:g.89324150G>A] variant in POLG gene is interpretated to be a Likely Benign based on ACMG guidelines (PMID: 25741868). This variant meets the following evidence codes reported in the ACMG-guideline. BP4:Computational evidence/predictors indicate no impact on the POLG structure, function, or protein-protein interaction. BP7:The variant is silent with non predicted splice impact. Based on the evidence criteria codes applied, the variant is suggested to be Likely Benign.

Eurofins Ntd Llc (ga)
Classification: Uncertain significance. Last evaluated: 2018-05-30. Review status: criteria provided, single submitter. Criteria: EGL ClinVar v180209 classification definitions. Collection method: clinical testing. Allele origin: germline. Observed: 2 variant alleles, 2 heterozygotes.

Ambry Genetics
Classification: Uncertain significance for Inborn genetic diseases. Last evaluated: 2017-06-07. Review status: criteria provided, single submitter. Criteria: Ambry Variant Classification Scheme 2023. Collection method: clinical testing. Allele origin: germline.
Comment: The p.A676V variant (also known as c.2027C>T), located in coding exon 10 of the POLG gene, results from a C to T substitution at nucleotide position 2027. The alanine at codon 676 is replaced by valine, an amino acid with similar properties. This amino acid position is not well conserved in available vertebrate species. In addition, the in silico prediction for this alteration is inconclusive. Since supporting evidence is limited at this time, the clinical significance of this alteration remains unclear.

Literature cited by the submitters: PubMed 21880868 (cited by 4 submitters).